The following is an entry in ClinVar:

ClinVar aggregate classification (germline): Benign. Review status: reviewed by expert panel (3 of 4 stars). 21 submissions from 18 submitters: Benign (1). 20 of the submissions do not count toward it. Last evaluated 2025-07-01.

Conditions:
Cardiac arrhythmia. Also called: Arrhythmia; Cardiac rhythm disease. Identifiers: MedGen C0003811, MONDO:0007263, HP:0011675.
Cardiovascular phenotype. Identifiers: MedGen CN230736.
Long QT syndrome (LQTS). Identifiers: MedGen C0023976, MeSH D008133, MONDO:0002442. Disease mechanism: loss of function. Inheritance: Various modes of inheritance.
Atrial fibrillation, familial, 3 (ATFB3). Identifiers: MedGen C1837014, MONDO:0011857, OMIM 607554.
Short QT syndrome type 2. Identifiers: Orphanet 51083, MedGen C1865019, MONDO:0012313, OMIM 609621.
Long QT syndrome 1 (LQT1). Identifiers: Orphanet 101016, Orphanet 768, MedGen C4551647, MONDO:0100316, OMIM 192500, MONDO:0008646.
Jervell and Lange-Nielsen syndrome 1 (JLNS1). Also called: CARDIOAUDITORY SYNDROME OF JERVELL AND LANGE-NIELSEN; DEAFNESS, CONGENITAL, AND FUNCTIONAL HEART DISEASE; SURDO-CARDIAC SYNDROME; PROLONGED QT INTERVAL IN EKG AND SUDDEN DEATH. Identifiers: Orphanet 768, Orphanet 90647, MedGen C4551509, MONDO:0024540, OMIM 220400.

Allele frequency attached by ClinVar (database versions not stated): gnomAD exomes 0.00240 and 0.00616; ESP Exome Variant Server 0.00689; gnomAD 0.00760 and 0.00801; TOPMed 0.00989; 1000 Genomes Project 30x 0.01562; 1000 Genomes Project 0.01657; ExAC 0.01667.
gnomAD v4.1: 4,657 of 1,580,300 alleles (0.29%); highest among the groups gnomAD compares: East Asian, 4.8%; 73 homozygotes.

Submissions 1 to 17 of 21:

ClinGen Potassium Channel Arrhythmia Variant Curation Expert Panel, ClinGen
Classification: Benign for Long QT syndrome 1. Last evaluated: 2025-07-01. Review status: reviewed by expert panel. Criteria: ClinGen KChannel ACMG Specifications KCNQ1 V1.0.0 2. Collection method: curation. Allele origin: germline. Inheritance: Autosomal dominant inheritance.
Comment: NM_000218.3(KCNQ1):c.1927G>A is a missense variant predicted to cause substitution of glycine by serine at amino acid 643 (p.Gly643Ser). This variant is present in gnomAD v.4.1.0 at a maximum allele frequency of 0.04778, with 2,047 alleles / 42,844 total alleles and 53 homozygotes in the East Asian population, which is higher than the ClinGen Potassium Channel Arrhythmia VCEP BA1 threshold of >0.004 (BA1). This variant has been identified in individuals with LQTc interval including 3 who had QTc interval over 480ms, as well as an individual with sudden unexplained death, however their phenotypes do not meet criteria for being highly specific to LQTS (PMID 15028050; PMID: 26385840). The variant is seen frequently in control individuals vs cases (PMID: 26159999; PMID: 18426444). From in-vitro studies, this variant is thought to have a weak dominant-negative effect without much alteration to its kinetic properties (PMID: 11761407; PMID: 22378279). This variant is thought to be a risk factor/predisposition to arrhythmias or acquired LQTS, but is not thought to be a risk factor for congenital LQTS. The computational predictor REVEL gives a score of 0.566, which is below the ClinGen Potassium Channel Arrhythmia VCEP PP3 threshold of >0.75 but higher than the BP4 threshold of <0.25 and does not strongly predict a damaging effect on KCNQ1 function. The computational splicing predictor SpliceAI gives a score of 0.00, which is lower than the ClinGen Potassium Channel Arrhythmia VCEP PP3 threshold of >0.2 and does not strongly predict a damaging effect on KCNQ1 splicing. In summary, this variant meets the criteria to be classified as benign for long QT syndrome 1 based on the ACMG/AMP criteria applied, as specified by the ClinGen Potassium Channel Arrhythmias VCEP: BA1. (VCEP specifications version 1.0.0; date of approval 03/04/2025).

Labcorp Genetics (formerly Invitae), Labcorp
Classification: Benign for Long QT syndrome. Last evaluated: 2026-02-03. Review status: criteria provided, single submitter. Criteria: Invitae Variant Classification Sherloc (09022015). Collection method: clinical testing. Allele origin: germline. Not counted in ClinVar's aggregate classification.

ARUP Laboratories, Molecular Genetics and Genomics, ARUP Laboratories
Classification: Benign. Last evaluated: 2025-05-15. Review status: criteria provided, single submitter. Criteria: ARUP Molecular Germline Variant Investigation Process 2024. Collection method: clinical testing. Allele origin: germline. Not counted in ClinVar's aggregate classification.

Mayo Clinic Laboratories, Mayo Clinic
Classification: Benign. Last evaluated: 2023-12-13. Review status: criteria provided, single submitter. Criteria: ACMG Guidelines, 2015. Collection method: clinical testing. Allele origin: germline. Observed: 10 variant alleles. Not counted in ClinVar's aggregate classification.
Comment: BS1, BS2

GeneDx
Classification: Benign. Last evaluated: 2020-03-11. Review status: criteria provided, single submitter. Criteria: GeneDx Variant Classification Process June 2021. Collection method: clinical testing. Allele origin: germline. Affected: yes. Not counted in ClinVar's aggregate classification.
Comment: This variant is associated with the following publications: (PMID: 30462975, 29431662, 14661677, 29021305, 29855564, 21139297, 16563243, 17222736, 15746444, 16487223, 11761407, 24388587, 28704380, 26385840, 26159999, 24284363, 24762593, 22949429, 22378279, 22677073, 24573873, 27875062)

Molecular Diagnostic Laboratory for Inherited Cardiovascular Disease, Montreal Heart Institute
Classification: Benign for Long QT syndrome 1. Last evaluated: 2019-10-10. Review status: criteria provided, single submitter. Criteria: ACMG Guidelines, 2015. Collection method: clinical testing. Allele origin: germline. Affected: yes. Not counted in ClinVar's aggregate classification.

Athena Diagnostics
Classification: Benign. Last evaluated: 2018-11-13. Review status: criteria provided, single submitter. Criteria: Athena Diagnostics Criteria. Collection method: clinical testing. Allele origin: germline. Not counted in ClinVar's aggregate classification.

Color Diagnostics, LLC DBA Color Health
Classification: Benign for Arrhythmia. Last evaluated: 2018-03-19. Review status: criteria provided, single submitter. Criteria: ACMG Guidelines, 2015. Collection method: clinical testing. Allele origin: germline. Not counted in ClinVar's aggregate classification.

Illumina Laboratory Services, Illumina
Classification: Likely benign for Jervell and Lange-Nielsen syndrome 1. Last evaluated: 2018-02-27. Review status: criteria provided, single submitter. Criteria: ICSL Variant Classification Criteria 13 December 2019. Collection method: clinical testing. Allele origin: germline. Not counted in ClinVar's aggregate classification.
Comment: This variant was observed as part of a predisposition screen in an ostensibly healthy population. A literature search was performed for the gene, cDNA change, and amino acid change (where applicable). No publications were found based on this search. Allele frequency data from public databases allowed determination this variant is unlikely to cause disease. Therefore, this variant is classified as likely benign.

Illumina Laboratory Services, Illumina
Classification: Likely benign for Short QT syndrome type 2. Last evaluated: 2018-02-27. Review status: criteria provided, single submitter. Criteria: ICSL Variant Classification Criteria 13 December 2019. Collection method: clinical testing. Allele origin: germline. Not counted in ClinVar's aggregate classification.
Comment: the same text as in the submission from Illumina Laboratory Services, Illumina above.

Illumina Laboratory Services, Illumina
Classification: Likely benign for Long QT syndrome 1. Last evaluated: 2018-02-27. Review status: criteria provided, single submitter. Criteria: ICSL Variant Classification Criteria 13 December 2019. Collection method: clinical testing. Allele origin: germline. Not counted in ClinVar's aggregate classification.
Comment: the same text as in the submission from Illumina Laboratory Services, Illumina above.

Illumina Laboratory Services, Illumina
Classification: Likely benign for Atrial fibrillation, familial, 3. Last evaluated: 2018-02-27. Review status: criteria provided, single submitter. Criteria: ICSL Variant Classification Criteria 13 December 2019. Collection method: clinical testing. Allele origin: germline. Not counted in ClinVar's aggregate classification.
Comment: the same text as in the submission from Illumina Laboratory Services, Illumina above.

Eurofins Ntd Llc (ga)
Classification: Benign. Last evaluated: 2016-05-31. Review status: criteria provided, single submitter. Criteria: EGL Classification Definitions 2015. Collection method: clinical testing. Allele origin: germline. Observed: 1 variant allele, 1 heterozygote. Not counted in ClinVar's aggregate classification.

Ambry Genetics
Classification: Benign for Cardiovascular phenotype. Last evaluated: 2015-08-13. Review status: criteria provided, single submitter. Criteria: Ambry Variant Classification Scheme 2023. Collection method: clinical testing. Allele origin: germline. Not counted in ClinVar's aggregate classification.

Laboratory for Molecular Medicine, Mass General Brigham Personalized Medicine
Classification: Benign. Last evaluated: 2012-05-07. Review status: criteria provided, single submitter. Criteria: LMM Criteria. Collection method: clinical testing. Allele origin: germline. Observed: 20 variant alleles. Not counted in ClinVar's aggregate classification.
Comment: Gly643Ser in Exon 16 of KCNQ1: This variant is not expected to have clinical sig nificance because it has been identified in 2.0% (72/3634) of African American c hromosomes from a broad population by the NHLBI Exome Sequencing Project (dbSNP rs1800172).

Breakthrough Genomics
Classification: Likely benign. Review status: criteria provided, single submitter. Criteria: ACMG Guidelines, 2015. Collection method: not provided. Allele origin: germline. Inheritance: Autosomal recessive inheritance. Affected: yes. Not counted in ClinVar's aggregate classification.

Women's Health and Genetics/Laboratory Corporation of America, LabCorp
Classification: Benign for Arrhythmia. Last evaluated: 2013-02-12. Review status: no assertion criteria provided. Collection method: clinical testing. Allele origin: germline. Not counted in ClinVar's aggregate classification.

NM_000218.3(KCNQ1):c.1927G>A (p.Gly643Ser)

Genes: KCNQ1-AS1 (KCNQ1 antisense RNA 1; minus strand), KCNQ1 (potassium voltage-gated channel subfamily Q member 1; plus strand). Cytogenetic location: 11p15.4.
Variant type: single nucleotide variant.
Coding change: c.1927G>A on transcript NM_000218.3 (MANE Select); coding-DNA position 1927, G replaced by A.
Protein change: p.Gly643Ser; replaces glycine 643 with serine.
Molecular consequence: missense variant.
Genome position (GRCh38, 1-based): chr11:2,847,899, G>A. VCF-style: chr11-2847899-G-A. GRCh37 (hg19) VCF-style: chr11-2869129-G-A.
Other names: NM_000218.3(KCNQ1):c.1927G>A; c.1831G>A, p.Gly611Ser (NM_001406836.1); c.1657G>A, p.Gly553Ser (NM_001406837.1); c.1387G>A, p.Gly463Ser (NM_001406838.1); c.439G>A, p.Gly147Ser (NM_001406839.1); c.1546G>A, p.Gly516Ser (NM_181798.2); c.1927G>A (LRG_287t1); short protein forms G516S, G643S, G463S, G553S, G147S, G611S.
Identifiers: ClinVar variation 36437 (VCV000036437.46), dbSNP rs1800172, ClinGen allele CA006598.
Genomic context (GRCh38, chr11:2,847,899, plus strand): 5'-AGCACCCCCGGCAGCGGCGGCCCCCCCAGAGAGGGCGGGGCCCACATCACCCAGCCCTGC[G>A]GCAGTGGCGGCTCCGTCGACCCTGAGCTCTTCCTGCCCAGCAACACCCTGCCCACCTACG-3'
Protein context (NP_000209.2, residues 633-653): EGGAHITQPC[Gly643Ser]SGGSVDPELF